The following is an entry in ClinVar:

NM_021954.4(GJA3):c.7G>T (p.Asp3Tyr)

Gene: GJA3 (gap junction protein alpha 3; minus strand). Cytogenetic location: 13q12.11.
Variant type: single nucleotide variant.
Coding change: c.7G>T on transcript NM_021954.4 (MANE Select); coding-DNA position 7, G replaced by T.
Protein change: p.Asp3Tyr; replaces aspartic acid 3 with tyrosine.
Molecular consequence: missense variant.
Genome position (GRCh38, 1-based): chr13:20,143,282, C>A on the plus strand (G>T on the coding strand, the complement: GJA3 is on the minus strand). VCF-style: chr13-20143282-C-A. GRCh37 (hg19) VCF-style: chr13-20717421-C-A.
Other names: short protein forms D3Y.
Identifiers: ClinVar variation 2735992 (VCV002735992.4), dbSNP rs864309694, ClinGen allele CA387466069.

ClinVar aggregate classification (germline): Pathogenic/Likely pathogenic. Review status: criteria provided, multiple submitters, no conflicts (2 of 4 stars). 2 submissions from 2 submitters: Pathogenic (1); Likely pathogenic (1). Last evaluated 2023-04-20.

Conditions:
Cataract 14 multiple types. Also called: CATARACT 14, ZONULAR PULVERULENT; CATARACT 14, NUCLEAR PULVERULENT; CATARACT 14, NUCLEAR PULVERULENT AND POSTERIOR POLAR; CATARACT 14, NUCLEAR CORALLIFORM; CATARACT 14, EMBRYONAL NUCLEAR; CATARACT 14, COPPOCK-LIKE. Identifiers: Orphanet 91492, MedGen C1866078, MONDO:0011162, OMIM 601885.

Submissions (2):

Labcorp Genetics (formerly Invitae), Labcorp
Classification: Pathogenic for Cataract 14 multiple types. Last evaluated: 2023-04-20. Review status: criteria provided, single submitter. Criteria: Invitae Variant Classification Sherloc (09022015). Collection method: clinical testing. Allele origin: germline.
Comment: This sequence change replaces aspartic acid, which is acidic and polar, with tyrosine, which is neutral and polar, at codon 3 of the GJA3 protein (p.Asp3Tyr). This variant is not present in population databases (gnomAD no frequency). For these reasons, this variant has been classified as Pathogenic. Experimental studies have shown that this missense change affects GJA3 function (PMID: 22843197, 23302783). Advanced modeling of protein sequence and biophysical properties (such as structural, functional, and spatial information, amino acid conservation, physicochemical variation, residue mobility, and thermodynamic stability) performed at Invitae indicates that this missense variant is expected to disrupt GJA3 protein function. This missense change has been observed in individuals with congenital cataract (PMID: 16885921, 29934635). It has also been observed to segregate with disease in related individuals.

Dept. Genetics and Cancer, Menzies Institute for Medical Research, University of Tasmania
Classification: Likely pathogenic for Cataract 14 multiple types. Last evaluated: 2023-01-21. Review status: criteria provided, single submitter. Criteria: ACMG Guidelines, 2015. Collection method: curation. Allele origin: germline. Affected: yes.
Comment: Variant identified and curated during a GJA3 specific review of the literature in relation to pediatric or congenital cataract. ACMG-AMP criteria applied: PP1(Strong), PM1, PS4(supporting), PM2(supporting), PP3. Original variant report: PMID:16885921;29934635. The cataract phenotype/s reported for this variant is: Zonular pulverulent and Lamellar. Gene review and curation guidelines are outlined in: DOI 10.1080/17469899.2023.2160320

Literature cited by the submitters: PubMed 22843197 (cited by Labcorp Genetics (formerly Invitae), Labcorp); PubMed 23302783 (cited by Labcorp Genetics (formerly Invitae), Labcorp); PubMed 16885921 (cited by Labcorp Genetics (formerly Invitae), Labcorp and Dept. Genetics and Cancer, Menzies Institute for Medical Research, University of Tasmania); PubMed 29934635 (cited by Labcorp Genetics (formerly Invitae), Labcorp and Dept. Genetics and Cancer, Menzies Institute for Medical Research, University of Tasmania).